The following is an entry in ClinVar:

ClinVar aggregate classification (germline): Likely benign. Review status: criteria provided, multiple submitters, no conflicts (2 of 4 stars). 4 submissions from 4 submitters: Likely benign (4). Last evaluated 2026-01-25.

Conditions:
Early-infantile DEE. Also called: Ohtahara syndrome; Early infantile epileptic encephalopathy; Early infantile epileptic encephalopathy with suppression bursts. Identifiers: Orphanet 1934, MedGen C0393706, MONDO:0800491.
Inborn genetic diseases. Identifiers: MedGen C0950123, MeSH D030342.

Allele frequency attached by ClinVar (database versions not stated): gnomAD 0.00001; TOPMed 0.00001; gnomAD exomes 0.00002 and 0.00003; ExAC 0.00003.
gnomAD v4.1: 42 of 1,613,296 alleles (0.0026%); highest among the groups gnomAD compares: Non-Finnish European, 0.0033%; no homozygotes.

Submissions (4):

Labcorp Genetics (formerly Invitae), Labcorp
Classification: Likely benign for Early-infantile DEE. Last evaluated: 2026-01-25. Review status: criteria provided, single submitter. Criteria: Invitae Variant Classification Sherloc (09022015). Collection method: clinical testing. Allele origin: germline.

Blueprint Genetics
Classification: Likely benign. Last evaluated: 2023-03-21. Review status: criteria provided, single submitter. Criteria: ACMG Guidelines, 2015. Collection method: clinical testing. Allele origin: germline.

Ambry Genetics
Classification: Likely benign for Inborn genetic diseases. Last evaluated: 2018-03-19. Review status: criteria provided, single submitter. Criteria: Ambry Variant Classification Scheme 2023. Collection method: clinical testing. Allele origin: germline.

GeneDx
Classification: Likely benign. Last evaluated: 2018-01-26. Review status: criteria provided, single submitter. Criteria: GeneDx Variant Classification (06012015). Collection method: clinical testing. Allele origin: germline. Affected: yes.
Comment: This variant is considered likely benign or benign based on one or more of the following criteria: it is a conservative change, it occurs at a poorly conserved position in the protein, it is predicted to be benign by multiple in silico algorithms, and/or has population frequency not consistent with disease.

NM_001330260.2(SCN8A):c.726T>A (p.Gly242=)

Gene: SCN8A (sodium voltage-gated channel alpha subunit 8; plus strand). Cytogenetic location: 12q13.13.
Variant type: single nucleotide variant.
Coding change: c.726T>A on transcript NM_001330260.2 (MANE Select); coding-DNA position 726, T replaced by A.
Protein change: p.Gly242=; no amino-acid change (glycine 242 retained).
Molecular consequence: synonymous variant.
Genome position (GRCh38, 1-based): chr12:51,699,589, T>A. VCF-style: chr12-51699589-T-A. GRCh37 (hg19) VCF-style: chr12-52093373-T-A.
Other names: c.726T>A, p.Gly242= (NM_001177984.3, NM_001369788.1, NM_014191.4).
Identifiers: ClinVar variation 378555 (VCV000378555.12), dbSNP rs779319824, ClinGen allele CA6571150.
Genomic context (GRCh38, chr12:51,699,589, plus strand): 5'-GCTTTGAGGTGCCTCTGATTCCGGGGATTCTGTCTCCTCAGGCCTGAAGACAATTGTGGG[T>A]GCCCTGATTCAGTCTGTGAAGAAACTGTCAGATGTGATGATCCTGACAGTGTTCTGCCTG-3'
Protein context (NP_001317189.1, residues 232-252): SVIPGLKTIV[Gly242=]ALIQSVKKLS